The following is an entry in ClinVar:

ClinVar aggregate classification (germline): Likely benign (0 of 4 stars; one submission).

Conditions:
RYR3-related disorder. Also called: RYR3-related condition.

Allele frequency attached by ClinVar (database versions not stated): TOPMed below 0.00001; ExAC 0.00001; gnomAD exomes 0.00001.
gnomAD v4.1: 12 of 1,613,064 alleles (0.00074%); highest among the groups gnomAD compares: Non-Finnish European, 0.001%; no homozygotes.

Submission:

PreventionGenetics, part of Exact Sciences
Classification: Likely benign for RYR3-related condition. Last evaluated: 2019-03-29. Review status: no assertion criteria provided. Collection method: clinical testing. Allele origin: germline.
Comment: This variant is classified as likely benign based on ACMG/AMP sequence variant interpretation guidelines (Richards et al. 2015 PMID: 25741868, with internal and published modifications).

NM_001036.6(RYR3):c.1095C>G (p.Thr365=)

Gene: RYR3 (ryanodine receptor 3; plus strand). Cytogenetic location: 15q14.
Variant type: single nucleotide variant.
Coding change: c.1095C>G on transcript NM_001036.6 (MANE Select); coding-DNA position 1095, C replaced by G.
Protein change: p.Thr365=; no amino-acid change (threonine 365 retained).
Molecular consequence: synonymous variant.
Genome position (GRCh38, 1-based): chr15:33,562,959, C>G. VCF-style: chr15-33562959-C-G. GRCh37 (hg19) VCF-style: chr15-33855160-C-G.
Other names: c.1095C>G, p.Thr365= (NM_001243996.4).
Identifiers: ClinVar variation 3047426 (VCV003047426.2), dbSNP rs781446892, ClinGen allele CA7458016.